The following is an entry in ClinVar:

NM_003995.4(NPR2):c.1839C>G (p.Ile613Met)

Gene: NPR2 (natriuretic peptide receptor 2; plus strand). Cytogenetic location: 9p13.3.
Variant type: single nucleotide variant.
Coding change: c.1839C>G on transcript NM_003995.4 (MANE Select); coding-DNA position 1839, C replaced by G.
Protein change: p.Ile613Met; replaces isoleucine 613 with methionine.
Molecular consequence: missense variant.
Genome position (GRCh38, 1-based): chr9:35,802,755, C>G. VCF-style: chr9-35802755-C-G. GRCh37 (hg19) VCF-style: chr9-35802752-C-G.
Other names: c.1848C>G, p.Ile616Met (NM_001378923.1); short protein forms I616M, I613M.
Identifiers: ClinVar variation 1040087 (VCV001040087.9), dbSNP rs951956774, ClinGen allele CA192768829.

ClinVar aggregate classification (germline): Uncertain significance (1 of 4 stars; one submission).

Conditions:
Acromesomelic dysplasia 1, Maroteaux type (AMD1). Also called: ACROMESOMELIC DYSPLASIA 1; ST. HELENA DYSPLASIA. Identifiers: Orphanet 40, MedGen C1864356, MONDO:0011275, OMIM 602875.
Tall stature-scoliosis-macrodactyly of the great toes syndrome. Also called: Epiphyseal chondrodysplasia, miura type. Identifiers: Orphanet 329191, MedGen C4014690, MONDO:0014401, OMIM 615923.

Allele frequency attached by ClinVar (database versions not stated): TOPMed 0.00002; gnomAD 0.00003.
gnomAD v4.1: 4 of 1,612,844 alleles (0.00025%); highest among the groups gnomAD compares: African/African-American, 0.0053%; no homozygotes.

Submission:

Labcorp Genetics (formerly Invitae), Labcorp
Classification: Uncertain significance for Tall stature-scoliosis-macrodactyly of the great toes syndrome; Acromesomelic dysplasia 1, Maroteaux type. Last evaluated: 2020-03-17. Review status: criteria provided, single submitter. Criteria: Invitae Variant Classification Sherloc (09022015). Collection method: clinical testing. Allele origin: germline.
Comment: This sequence change replaces isoleucine with methionine at codon 613 of the NPR2 protein (p.Ile613Met). The isoleucine residue is highly conserved and there is a small physicochemical difference between isoleucine and methionine. This variant is not present in population databases (ExAC no frequency). This variant has not been reported in the literature in individuals with NPR2-related conditions. Algorithms developed to predict the effect of missense changes on protein structure and function are either unavailable or do not agree on the potential impact of this missense change (SIFT: "Deleterious"; PolyPhen-2: "Probably Damaging"; Align-GVGD: "Class C0"). In summary, the available evidence is currently insufficient to determine the role of this variant in disease. Therefore, it has been classified as a Variant of Uncertain Significance.